The following is an entry in ClinVar:

ClinVar aggregate classification (germline): Uncertain significance (1 of 4 stars; one submission).

Submission:

Labcorp Genetics (formerly Invitae), Labcorp
Classification: Uncertain significance. Last evaluated: 2022-08-20. Review status: criteria provided, single submitter. Criteria: Invitae Variant Classification Sherloc (09022015). Collection method: clinical testing. Allele origin: germline.
Comment: This variant is not present in population databases (gnomAD no frequency). Algorithms developed to predict the effect of missense changes on protein structure and function output the following: SIFT: "Tolerated"; PolyPhen-2: "Benign"; Align-GVGD: "Class C0". The arginine amino acid residue is found in multiple mammalian species, which suggests that this missense change does not adversely affect protein function. This variant has not been reported in the literature in individuals affected with CWC27-related conditions. This sequence change replaces lysine, which is basic and polar, with arginine, which is basic and polar, at codon 160 of the CWC27 protein (p.Lys160Arg). In summary, the available evidence is currently insufficient to determine the role of this variant in disease. Therefore, it has been classified as a Variant of Uncertain Significance.

NM_005869.4(CWC27):c.479A>G (p.Lys160Arg)

Gene: CWC27 (CWC27 spliceosome associated cyclophilin; plus strand). Cytogenetic location: 5q12.3.
Variant type: single nucleotide variant.
Coding change: c.479A>G on transcript NM_005869.4 (MANE Select); coding-DNA position 479, A replaced by G.
Protein change: p.Lys160Arg; replaces lysine 160 with arginine.
Molecular consequence: missense variant.
Genome position (GRCh38, 1-based): chr5:64,785,563, A>G. VCF-style: chr5-64785563-A-G. GRCh37 (hg19) VCF-style: chr5-64081390-A-G.
Other names: c.479A>G, p.Lys160Arg (NM_001297644.1, NM_001297645.2, NM_001318000.2 and 1 more transcripts); short protein forms K160R.
Identifiers: ClinVar variation 1717102 (VCV001717102.5), dbSNP rs2531264803, ClinGen allele CA359845517.